The following is an entry in ClinVar:

ClinVar aggregate classification (germline): Benign/Likely benign. Review status: criteria provided, multiple submitters, no conflicts (2 of 4 stars). 4 submissions from 4 submitters: Benign (2); Likely benign (2). Last evaluated 2025-12-21.

Allele frequency attached by ClinVar (database versions not stated): gnomAD 0.00002 and 0.00018; TOPMed 0.00002; gnomAD exomes 0.00040 and 0.00065; ExAC 0.00071; 1000 Genomes Project 30x 0.00094; 1000 Genomes Project 0.00120.
gnomAD v4.1: 621 of 1,614,150 alleles (0.038%); highest among the groups gnomAD compares: South Asian, 0.61%; 8 homozygotes.

Submissions (4):

Labcorp Genetics (formerly Invitae), Labcorp
Classification: Benign. Last evaluated: 2025-12-21. Review status: criteria provided, single submitter. Criteria: Invitae Variant Classification Sherloc (09022015). Collection method: clinical testing. Allele origin: germline.

Mayo Clinic Laboratories, Mayo Clinic
Classification: Likely benign. Last evaluated: 2025-04-09. Review status: criteria provided, single submitter. Criteria: ACMG Guidelines, 2015. Collection method: clinical testing. Allele origin: germline. Observed: 1 variant allele.
Comment: BP4, BP7

Blueprint Genetics
Classification: Likely benign. Last evaluated: 2024-10-15. Review status: criteria provided, single submitter. Criteria: ACMG Guidelines, 2015. Collection method: clinical testing. Allele origin: germline.

Breakthrough Genomics
Classification: Benign. Review status: criteria provided, single submitter. Criteria: ACMG Guidelines, 2015. Collection method: not provided. Allele origin: germline. Inheritance: Autosomal recessive inheritance. Affected: yes.

NM_001261826.3(AP3D1):c.1116C>T (p.Asn372=)

Gene: AP3D1 (adaptor related protein complex 3 subunit delta 1; minus strand). Cytogenetic location: 19p13.3.
Variant type: single nucleotide variant.
Coding change: c.1116C>T on transcript NM_001261826.3 (MANE Select); coding-DNA position 1116, C replaced by T.
Protein change: p.Asn372=; no amino-acid change (asparagine 372 retained).
Molecular consequence: synonymous variant.
Genome position (GRCh38, 1-based): chr19:2,121,297, G>A on the plus strand (C>T on the coding strand, the complement: AP3D1 is on the minus strand). VCF-style: chr19-2121297-G-A. GRCh37 (hg19) VCF-style: chr19-2121296-G-A.
Other names: p.Asn372=; c.1116C>T, p.Asn372= (NM_001374799.1, NM_003938.8).
Identifiers: ClinVar variation 1165422 (VCV001165422.12), dbSNP rs530983058, ClinGen allele CA9059404.